The following is an entry in ClinVar:

ClinVar aggregate classification (germline): Likely benign (1 of 4 stars; one submission).

Allele frequency attached by ClinVar (database versions not stated): gnomAD exomes 0.00001; TOPMed 0.00001; ExAC 0.00002.

Submission:

CeGaT Center for Human Genetics Tuebingen
Classification: Likely benign. Last evaluated: 2022-06-01. Review status: criteria provided, single submitter. Criteria: CeGaT Center For Human Genetics Tuebingen Variant Classification Criteria Version 2. Collection method: clinical testing. Allele origin: germline. Affected: yes. Observed: 1 variant allele.
Comment: MUC16: BP4, BP7

NM_001401501.2(MUC16):c.9138G>A (p.Ser3046=)

Gene: MUC16 (mucin 16, cell surface associated; minus strand). Cytogenetic location: 19p13.2.
Variant type: single nucleotide variant.
Coding change: c.9138G>A on transcript NM_001401501.2 (MANE Select); coding-DNA position 9138, G replaced by A.
Protein change: p.Ser3046=; no amino-acid change (serine 3046 retained).
Molecular consequence: synonymous variant.
Genome position (GRCh38, 1-based): chr19:8,972,121, C>T on the plus strand (G>A on the coding strand, the complement: MUC16 is on the minus strand). VCF-style: chr19-8972121-C-T. GRCh37 (hg19) VCF-style: chr19-9082797-C-T.
Other names: c.9564G>A, p.Ser3188= (NM_001414686.1); c.9018G>A, p.Ser3006= (NM_001414687.1, NM_024690.2).
Identifiers: ClinVar variation 2649263 (VCV002649263.24), dbSNP rs765219151, ClinGen allele CA9171850.
Genomic context (GRCh38, chr19:8,972,121, plus strand): 5'-ACCAGACCTTGCTGCTTGACCTGTGCTGAAGAGAGTTGTGAGTTTTGATGCAAGAGAGGT[C>T]GATGTCATAGCTGATGATGCCTTGCTTGGGTCTGGATAAGACATGCTCTCTGAGGCATAT-3'
Protein context (NP_001388430.1, residues 3036-3056): DPSKASSAMT[Ser3046=]TSLASKLTTL